The following is an entry in ClinVar:

NM_000719.7(CACNA1C):c.2278G>A (p.Glu760Lys)

Gene: CACNA1C (calcium voltage-gated channel subunit alpha1 C; plus strand). Cytogenetic location: 12p13.33.
Variant type: single nucleotide variant.
Coding change: c.2278G>A on transcript NM_000719.7 (MANE Select); coding-DNA position 2278, G replaced by A.
Protein change: p.Glu760Lys; replaces glutamic acid 760 with lysine.
Molecular consequence: missense variant.
Genome position (GRCh38, 1-based): chr12:2,584,556, G>A. VCF-style: chr12-2584556-G-A. GRCh37 (hg19) VCF-style: chr12-2693722-G-A.
Other names: c.2278G>A, p.Glu760Lys (NM_001129827.2, NM_001129838.2, NM_001129839.2 and 18 more transcripts); c.2269G>A, p.Glu757Lys (NM_001129844.2); short protein forms E760K, E757K.
Identifiers: ClinVar variation 526937 (VCV000526937.9), dbSNP rs1555832882, ClinGen allele CA383371448.

ClinVar aggregate classification (germline): Uncertain significance (1 of 4 stars; one submission).

Conditions:
Long QT syndrome (LQTS). Identifiers: MedGen C0023976, MeSH D008133, MONDO:0002442. Disease mechanism: loss of function. Inheritance: Various modes of inheritance.

Submission:

Labcorp Genetics (formerly Invitae), Labcorp
Classification: Uncertain significance for Long QT syndrome. Last evaluated: 2024-12-02. Review status: criteria provided, single submitter. Criteria: Invitae Variant Classification Sherloc (09022015). Collection method: clinical testing. Allele origin: germline.
Comment: This sequence change replaces glutamic acid, which is acidic and polar, with lysine, which is basic and polar, at codon 760 of the CACNA1C protein (p.Glu760Lys). This variant is not present in population databases (gnomAD no frequency). This variant has not been reported in the literature in individuals affected with CACNA1C-related conditions. ClinVar contains an entry for this variant (Variation ID: 526937). Invitae Evidence Modeling of protein sequence and biophysical properties (such as structural, functional, and spatial information, amino acid conservation, physicochemical variation, residue mobility, and thermodynamic stability) indicates that this missense variant is expected to disrupt CACNA1C protein function with a positive predictive value of 95%. In summary, the available evidence is currently insufficient to determine the role of this variant in disease. Therefore, it has been classified as a Variant of Uncertain Significance.